The following is an entry in ClinVar:

NM_006766.5(KAT6A):c.4431A>G (p.Ser1477=)

Gene: KAT6A (lysine acetyltransferase 6A; minus strand). Cytogenetic location: 8p11.21.
Variant type: single nucleotide variant.
Coding change: c.4431A>G on transcript NM_006766.5 (MANE Select); coding-DNA position 4431, A replaced by G.
Protein change: p.Ser1477=; no amino-acid change (serine 1477 retained).
Molecular consequence: synonymous variant.
Genome position (GRCh38, 1-based): chr8:41,933,789, T>C on the plus strand (A>G on the coding strand, the complement: KAT6A is on the minus strand). VCF-style: chr8-41933789-T-C. GRCh37 (hg19) VCF-style: chr8-41791307-T-C.
Identifiers: ClinVar variation 4534465 (VCV004534465.6).

ClinVar aggregate classification (germline): Likely benign (1 of 4 stars; one submission).

gnomAD v4.1: 2 of 1,614,134 alleles (0.00012%); highest among the groups gnomAD compares: Non-Finnish European, 0.000085%; no homozygotes.

Submission:

CeGaT Center for Human Genetics Tuebingen
Classification: Likely benign. Last evaluated: 2025-10-01. Review status: criteria provided, single submitter. Criteria: CeGaT Center For Human Genetics Tuebingen Variant Classification Criteria Version 2. Collection method: clinical testing. Allele origin: germline. Affected: yes. Observed: 1 variant allele.
Comment: KAT6A: BP4, BP7